The following is an entry in ClinVar:

NM_052874.5(STX1B):c.157G>A (p.Val53Met)

Gene: STX1B (syntaxin 1B; minus strand). Cytogenetic location: 16p11.2.
Variant type: single nucleotide variant.
Coding change: c.157G>A on transcript NM_052874.5 (MANE Select); coding-DNA position 157, G replaced by A.
Protein change: p.Val53Met; replaces valine 53 with methionine.
Molecular consequence: missense variant.
Genome position (GRCh38, 1-based): chr16:31,001,142, C>T on the plus strand (G>A on the coding strand, the complement: STX1B is on the minus strand). VCF-style: chr16-31001142-C-T. GRCh37 (hg19) VCF-style: chr16-31012463-C-T.
Other names: short protein forms V53M.
Identifiers: ClinVar variation 4540324 (VCV004540324.1).
Genomic context (GRCh38, chr16:31,001,142, plus strand): 5'-AGCCACACTCACTCTCATCTGGGTTGGGTGCGGCCAGGATGGCGCTATGCTGTTTTTTCA[C>T]CTGCTCCACATCCTCCGACAGTTTCTCAATGCAGCCCCGGATCTCTTCCACCTGGAGCAG-3'
Protein context (NP_443106.1, residues 43-63): IEKLSEDVEQ[Val53Met]KKQHSAILAA

ClinVar aggregate classification (germline): Uncertain significance (1 of 4 stars; one submission).

Submission:

GeneDx
Classification: Uncertain significance. Last evaluated: 2025-06-24. Review status: criteria provided, single submitter. Criteria: GeneDx Variant Classification Process June 2021. Collection method: clinical testing. Allele origin: germline. Affected: yes.
Comment: Not observed at significant frequency in large population cohorts (gnomAD); In silico analysis suggests that this missense variant does not alter protein structure/function; Has not been previously published as pathogenic or benign to our knowledge